The following is an entry in ClinVar:

ClinVar aggregate classification (germline): Likely benign (0 of 4 stars; one submission).

Conditions:
SHROOM2-related disorder. Also called: SHROOM2-related condition.

Allele frequency attached by ClinVar (database versions not stated): TOPMed 0.00002; gnomAD 0.00004; gnomAD exomes 0.00007; ExAC 0.00009; ESP Exome Variant Server 0.00009.
gnomAD v4.1: 80 of 1,209,904 alleles (0.0066%); highest among the groups gnomAD compares: South Asian, 0.079%; 1 homozygote.

Submission:

PreventionGenetics, part of Exact Sciences
Classification: Likely benign for SHROOM2-related condition. Last evaluated: 2019-06-27. Review status: no assertion criteria provided. Collection method: clinical testing. Allele origin: germline.
Comment: This variant is classified as likely benign based on ACMG/AMP sequence variant interpretation guidelines (Richards et al. 2015 PMID: 25741868, with internal and published modifications).

NM_001649.4(SHROOM2):c.3948G>A (p.Ser1316=)

Gene: SHROOM2 (shroom family member 2; plus strand). Cytogenetic location: Xp22.2.
Variant type: single nucleotide variant.
Coding change: c.3948G>A on transcript NM_001649.4 (MANE Select); coding-DNA position 3948, G replaced by A.
Protein change: p.Ser1316=; no amino-acid change (serine 1316 retained).
Molecular consequence: synonymous variant.
Genome position (GRCh38, 1-based): chrX:9,937,494, G>A. VCF-style: chrX-9937494-G-A. GRCh37 (hg19) VCF-style: chrX-9905534-G-A.
Other names: c.453G>A, p.Ser151= (NM_001320663.2, NM_001320664.2).
Identifiers: ClinVar variation 3043214 (VCV003043214.2), dbSNP rs201847453, ClinGen allele CA10345860.